The following is an entry in ClinVar:

ClinVar aggregate classification (germline): Conflicting classifications of pathogenicity. Review status: criteria provided, conflicting classifications (1 of 4 stars). 4 submissions from 4 submitters: Uncertain significance (2); Likely benign (1). 1 of the submissions does not count toward it. Last evaluated 2025-06-02.

Conditions:
Van Maldergem syndrome 1 (VMLDS1). Also called: Van Maldergem syndrome 1 (VMLDS1). Identifiers: Orphanet 314679, MedGen C4551950, MONDO:0011070, OMIM 601390.
DCHS1-related disorder. Also called: DCHS1-related condition.

Allele frequency attached by ClinVar (database versions not stated): 1000 Genomes Project 30x 0.00062; gnomAD exomes 0.00003; ExAC 0.00006; ESP Exome Variant Server 0.00015; TOPMed 0.00028; gnomAD 0.00021; 1000 Genomes Project 0.00040.
gnomAD v4.1: 74 of 1,611,248 alleles (0.0046%); highest among the groups gnomAD compares: African/African-American, 0.084%; no homozygotes.

Submissions (4):

Labcorp Genetics (formerly Invitae), Labcorp
Classification: Uncertain significance. Last evaluated: 2025-06-02. Review status: criteria provided, single submitter. Criteria: Invitae Variant Classification Sherloc (09022015). Collection method: clinical testing. Allele origin: germline.
Comment: This sequence change replaces arginine, which is basic and polar, with tryptophan, which is neutral and slightly polar, at codon 428 of the DCHS1 protein (p.Arg428Trp). This variant is present in population databases (rs146914159, gnomAD 0.06%). This variant has not been reported in the literature in individuals affected with DCHS1-related conditions. ClinVar contains an entry for this variant (Variation ID: 2895933). Invitae Evidence Modeling of protein sequence and biophysical properties (such as structural, functional, and spatial information, amino acid conservation, physicochemical variation, residue mobility, and thermodynamic stability) indicates that this missense variant is not expected to disrupt DCHS1 protein function with a negative predictive value of 80%. In summary, the available evidence is currently insufficient to determine the role of this variant in disease. Therefore, it has been classified as a Variant of Uncertain Significance.

GeneDx
Classification: Uncertain significance. Last evaluated: 2024-12-11. Review status: criteria provided, single submitter. Criteria: GeneDx Variant Classification Process June 2021. Collection method: clinical testing. Allele origin: germline. Affected: yes.
Comment: In silico analysis supports that this missense variant has a deleterious effect on protein structure/function; Has not been previously published as pathogenic or benign to our knowledge

3billion
Classification: Likely benign for Van Maldergem syndrome 1. Last evaluated: 2024-09-20. Review status: criteria provided, single submitter. Criteria: ACMG Guidelines, 2015. Collection method: clinical testing. Allele origin: germline. Affected: no.
Comment: The homozygous variant was found in patients diagnosed with another variant in a different gene, with no symptoms related to the gene containing the homozygous variant.

PreventionGenetics, part of Exact Sciences
Classification: Uncertain significance for DCHS1-related condition. Last evaluated: 2024-05-11. Review status: no assertion criteria provided. Collection method: clinical testing. Allele origin: germline. Not counted in ClinVar's aggregate classification.
Comment: The DCHS1 c.1282C>T variant is predicted to result in the amino acid substitution p.Arg428Trp. To our knowledge, this variant has not been reported in the literature. This variant is reported in 0.062% of alleles in individuals of African descent in gnomAD. Although we suspect that this variant may be benign, at this time, the clinical significance of this variant is uncertain due to the absence of conclusive functional and genetic evidence.

NM_003737.4(DCHS1):c.1282C>T (p.Arg428Trp)

Gene: DCHS1 (dachsous cadherin-related 1; minus strand). Cytogenetic location: 11p15.4.
Variant type: single nucleotide variant.
Coding change: c.1282C>T on transcript NM_003737.4 (MANE Select); coding-DNA position 1282, C replaced by T.
Protein change: p.Arg428Trp; replaces arginine 428 with tryptophan.
Molecular consequence: missense variant.
Genome position (GRCh38, 1-based): chr11:6,640,332, G>A on the plus strand (C>T on the coding strand, the complement: DCHS1 is on the minus strand). VCF-style: chr11-6640332-G-A. GRCh37 (hg19) VCF-style: chr11-6661563-G-A.
Other names: c.1282C>T (NM_003737.3); short protein forms R428W.
Identifiers: ClinVar variation 2895933 (VCV002895933.5), dbSNP rs146914159, ClinGen allele CA5860997.